The following is an entry in ClinVar:

ClinVar aggregate classification (germline): Uncertain significance (1 of 4 stars; one submission).

Conditions:
Hereditary cancer-predisposing syndrome. Also called: Neoplastic Syndromes, Hereditary; Tumor predisposition; Hereditary Cancer Syndrome; Hereditary neoplastic syndrome. Identifiers: Orphanet 140162, MedGen C0027672, MeSH D009386, MONDO:0015356.

Submission:

Ambry Genetics
Classification: Uncertain significance for Hereditary cancer-predisposing syndrome. Last evaluated: 2026-06-09. Review status: criteria provided, single submitter. Criteria: Ambry Variant Classification Scheme 2023. Collection method: clinical testing. Allele origin: germline.
Comment: The p.P1062H variant (also known as c.3185C>A), located in coding exon 10 of the BRCA2 gene, results from a C to A substitution at nucleotide position 3185. The proline at codon 1062 is replaced by histidine, an amino acid with similar properties. This amino acid position is conserved. In addition, this alteration is predicted to be tolerated by in silico analysis. Based on the available evidence, the clinical significance of this variant remains unclear.

NM_000059.4(BRCA2):c.3185C>A (p.Pro1062His)

Gene: BRCA2 (BRCA2 DNA repair associated; plus strand). Cytogenetic location: 13q13.1.
Variant type: single nucleotide variant.
Coding change: c.3185C>A on transcript NM_000059.4 (MANE Select); coding-DNA position 3185, C replaced by A.
Protein change: p.Pro1062His; replaces proline 1062 with histidine.
Molecular consequence: missense variant. On other transcripts: non-coding transcript variant (1), intron variant (2).
Genome position (GRCh38, 1-based): chr13:32,337,540, C>A. VCF-style: chr13-32337540-C-A. GRCh37 (hg19) VCF-style: chr13-32911677-C-A.
Other names: c.3185C>A, p.Pro1062His (NM_001406719.1, NM_001406720.1, NM_001432077.1); c.1909+4153C>A (NM_001406721.1); c.424+6510C>A (NM_001406722.1); short protein forms P1062H.
Identifiers: ClinVar variation 4867891 (VCV004867891.1).